The following is an entry in ClinVar:

NM_000090.4(COL3A1):c.4036C>T (p.Pro1346Ser)

Gene: COL3A1 (collagen type III alpha 1 chain; plus strand). Cytogenetic location: 2q32.2.
Variant type: single nucleotide variant.
Coding change: c.4036C>T on transcript NM_000090.4 (MANE Select); coding-DNA position 4036, C replaced by T.
Protein change: p.Pro1346Ser; replaces proline 1346 with serine.
Molecular consequence: missense variant.
Genome position (GRCh38, 1-based): chr2:189,010,672, C>T. VCF-style: chr2-189010672-C-T. GRCh37 (hg19) VCF-style: chr2-189875398-C-T.
Other names: short protein forms P1346S.
Identifiers: ClinVar variation 4756708 (VCV004756708.1).

ClinVar aggregate classification (germline): Uncertain significance (1 of 4 stars; one submission).

Conditions:
Familial thoracic aortic aneurysm and aortic dissection (TAAD). Also called: Thoracic aortic aneurysms and dissections. Identifiers: Orphanet 91387, MedGen C4707243, MONDO:0019625.

Submission:

Color Diagnostics, LLC DBA Color Health
Classification: Uncertain significance for Familial thoracic aortic aneurysm and aortic dissection. Last evaluated: 2025-05-20. Review status: criteria provided, single submitter. Criteria: ACMG Guidelines, 2015. Collection method: clinical testing. Allele origin: germline.
Comment: This missense variant replaces proline with serine at codon 1346 of the COL3A1 protein. Computational prediction suggests that this variant may not impact protein structure and function. To our knowledge, functional studies have not been reported for this variant. This variant has not been reported in individuals affected with COL3A1-related disorders in the literature. This variant has not been identified in the general population by the Genome Aggregation Database (gnomAD). The available evidence is insufficient to determine the role of this variant in disease conclusively. Therefore, this variant is classified as a Variant of Uncertain Significance.